The following is an entry in ClinVar:

NM_052988.5(CDK10):c.744C>T (p.Ile248=)

Gene: CDK10 (cyclin dependent kinase 10; plus strand). Cytogenetic location: 16q24.3.
Variant type: single nucleotide variant.
Coding change: c.744C>T on transcript NM_052988.5 (MANE Select); coding-DNA position 744, C replaced by T.
Protein change: p.Ile248=; no amino-acid change (isoleucine 248 retained).
Molecular consequence: synonymous variant. On other transcripts: non-coding transcript variant (2).
Genome position (GRCh38, 1-based): chr16:89,694,740, C>T. VCF-style: chr16-89694740-C-T. GRCh37 (hg19) VCF-style: chr16-89761148-C-T.
Other names: c.531C>T, p.Ile177= (NM_001098533.3, NM_001160367.2, NM_052987.4).
Identifiers: ClinVar variation 4533708 (VCV004533708.6).

ClinVar aggregate classification (germline): Likely benign (1 of 4 stars; one submission).

gnomAD v4.1: 145 of 1,575,382 alleles (0.0092%); highest among the groups gnomAD compares: Admixed American, 0.011%; no homozygotes.

Submission:

CeGaT Center for Human Genetics Tuebingen
Classification: Likely benign. Last evaluated: 2026-06-01. Review status: criteria provided, single submitter. Criteria: CeGaT Center For Human Genetics Tuebingen Variant Classification Criteria Version 2. Collection method: clinical testing. Allele origin: germline. Affected: yes. Observed: 2 variant alleles.
Comment: CDK10: BP4, BP7